The following is an entry in ClinVar:

ClinVar aggregate classification (germline): Pathogenic/Likely pathogenic. Review status: criteria provided, multiple submitters, no conflicts (2 of 4 stars). 5 submissions from 5 submitters: Pathogenic (1); Likely pathogenic (3). 1 of the submissions does not count toward it. Last evaluated 2025-02-25.

Conditions:
Testosterone 17-beta-dehydrogenase deficiency. Also called: 46,XY disorder of sex development due to 17-beta-hydroxysteroid dehydrogenase 3 deficiency; Pseudohermaphroditism male with gynecomastia; 17-beta hydroxysteroid dehydrogenase 3 deficiency; 17 alpha ketosteroid reductase deficiency of testis; 17 alpha KSR deficiency; Neutral 17 beta hydroxysteroid oxidoreductase deficiency. Identifiers: Orphanet 752, MedGen C0268296, MONDO:0009916, OMIM 264300. Disease mechanism: loss of function.

Allele frequency attached by ClinVar (database versions not stated): ESP Exome Variant Server 0.00008; 1000 Genomes Project 0.00040; 1000 Genomes Project 30x 0.00047.
gnomAD v4.1: 89 of 1,614,034 alleles (0.0055%); highest among the groups gnomAD compares: East Asian, 0.04%; no homozygotes.

Submissions (5):

Revvity Omics, Revvity
Classification: Likely pathogenic for Testosterone 17-beta-dehydrogenase deficiency. Last evaluated: 2025-02-25. Review status: criteria provided, single submitter. Criteria: ACMG Guidelines, 2015. Collection method: clinical testing. Allele origin: germline.

Fulgent Genetics
Classification: Likely pathogenic for Testosterone 17-beta-dehydrogenase deficiency. Last evaluated: 2024-05-07. Review status: criteria provided, single submitter. Criteria: ACMG Guidelines, 2015. Collection method: clinical testing. Allele origin: germline.

Women's Health and Genetics/Laboratory Corporation of America, LabCorp
Classification: Pathogenic for Testosterone 17-beta-dehydrogenase deficiency. Last evaluated: 2024-03-01. Review status: criteria provided, single submitter. Criteria: LabCorp Variant Classification Summary - May 2015. Collection method: clinical testing. Allele origin: germline.
Comment: Variant summary: HSD17B3 c.139A>G (p.Met47Val) results in a conservative amino acid change in the encoded protein sequence. Three of five in-silico tools predict a benign effect of the variant on protein function. The variant allele was found at a frequency of 6.4e-05 in 251460 control chromosomes (gnomAD). c.139A>G has been reported in the literature in multiple individuals affected with Testosterone 17-beta-dehydrogenase deficiency (Eggers_2016, Globa_2022, Zidoune_2022, Fujisawa_2023). These data indicate that the variant is very likely to be associated with disease. At least one publication reports experimental evidence evaluating an impact on protein function, and found that it results in ~43% of normal activity (Fujisawa_2023). The following publications have been ascertained in the context of this evaluation (PMID: 27899157, 36110220, 37741351, 33468338, 35432193). ClinVar contains an entry for this variant (Variation ID: 2136797). Based on the evidence outlined above, the variant was classified as pathogenic.

Neuberg Centre For Genomic Medicine, NCGM
Classification: Likely pathogenic for Testosterone 17-beta-dehydrogenase deficiency. Last evaluated: 2023-06-22. Review status: criteria provided, single submitter. Criteria: ACMG Guidelines, 2015. Collection method: clinical testing. Allele origin: germline. Inheritance: Autosomal recessive inheritance. Affected: yes.
Comment: The missense c.139A>G (p.Met47Val) variant in HSD17B3 gene has been reported previously in homozygous/ compound heterozygous states in individuals affected with HSD17B3-related disorders (Eggers et al., 2016; Ea et al., 2021; Globa et al., 2022). This variant was also present in family members of affected individuals (Eggers et al., 2016; Globa et al., 2022; Gonçalves et al., 2022). The p.Met47Val variant is present with allele frequency of 0.006% in gnomAD Exomes. This variant has been submitted to the ClinVar database as Uncertain Significance. Multiple lines of computational evidence (Polyphen - Benign, SIFT - Tolerated and MutationTaster - Disease causing) predict conflicting evidence on protein structure and function for this variant. The reference amino acid at this position on HSD17B3 is predicted as conserved by GERP++ and PhyloP across 100 vertebrates. The amino acid Met at position 47 is changed to a Val changing protein sequence and it might alter its composition and physico-chemical properties. Additional functional studies will be required to prove the pathogenicity of this variant. For these reasons, this variant has been classified as Likely Pathogenic.

Labcorp Genetics (formerly Invitae), Labcorp
Classification: Uncertain significance. Last evaluated: 2022-09-27. Review status: flagged submission. Criteria: Invitae Variant Classification Sherloc (09022015). Collection method: clinical testing. Allele origin: germline. Not counted in ClinVar's aggregate classification.
Comment: This sequence change replaces methionine, which is neutral and non-polar, with valine, which is neutral and non-polar, at codon 47 of the HSD17B3 protein (p.Met47Val). This variant is present in population databases (rs191153391, gnomAD 0.01%). This missense change has been observed in individual(s) with clinical features of androgen synthesis disorder (PMID: 27899157). Advanced modeling of protein sequence and biophysical properties (such as structural, functional, and spatial information, amino acid conservation, physicochemical variation, residue mobility, and thermodynamic stability) performed at Invitae indicates that this missense variant is not expected to disrupt HSD17B3 protein function. In summary, the available evidence is currently insufficient to determine the role of this variant in disease. Therefore, it has been classified as a Variant of Uncertain Significance.
ClinVar note: Reason: Claim with insufficient supporting evidence

Literature cited by the submitters: PubMed 35432193 (cited by Women's Health and Genetics/Laboratory Corporation of America, LabCorp); PubMed 27899157 (cited by Women's Health and Genetics/Laboratory Corporation of America, LabCorp and Labcorp Genetics (formerly Invitae), Labcorp); PubMed 36110220 (cited by Women's Health and Genetics/Laboratory Corporation of America, LabCorp); PubMed 33468338 (cited by Women's Health and Genetics/Laboratory Corporation of America, LabCorp); PubMed 37741351 (cited by Women's Health and Genetics/Laboratory Corporation of America, LabCorp).

NM_000197.2(HSD17B3):c.139A>G (p.Met47Val)

Genes: HSD17B3 (hydroxysteroid 17-beta dehydrogenase 3; minus strand), SLC35D2-HSD17B3 (SLC35D2-HSD17B3 readthrough; minus strand). Cytogenetic location: 9q22.32.
Variant type: single nucleotide variant.
Coding change: c.139A>G on transcript NM_000197.2 (MANE Select); coding-DNA position 139, A replaced by G.
Protein change: p.Met47Val; replaces methionine 47 with valine.
Molecular consequence: missense variant.
Genome position (GRCh38, 1-based): chr9:96,301,966, T>C on the plus strand (A>G on the coding strand, the complement: HSD17B3 is on the minus strand). VCF-style: chr9-96301966-T-C. GRCh37 (hg19) VCF-style: chr9-99064248-T-C.
Other names: short protein forms M47V.
Identifiers: ClinVar variation 2136797 (VCV002136797.8), dbSNP rs191153391, ClinGen allele CA5140543.